The following is an entry in ClinVar:

ClinVar aggregate classification (germline): Uncertain significance. Review status: criteria provided, multiple submitters, no conflicts (2 of 4 stars). 3 submissions from 3 submitters: Uncertain significance (3). Last evaluated 2025-04-03.

Conditions:
Inborn genetic diseases. Identifiers: MedGen C0950123, MeSH D030342.
Acute myeloid leukemia (AML). Also called: Acute myeloid leukemia, adult; AML adult; Acute non-lymphocytic leukemia; Acute granulocytic leukemia; Leukemia, acute myelogenous, somatic; Leukemia, acute myeloid, somatic. Identifiers: Orphanet 519, MedGen C0023467, MeSH D015470, MONDO:0018874, OMIM 601626, HP:0004808. Disease mechanism: Constitutively activated FLT3.

Allele frequency attached by ClinVar (database versions not stated): TOPMed below 0.00001.

Submissions (3):

Ambry Genetics
Classification: Uncertain significance for Inborn genetic diseases. Last evaluated: 2025-04-03. Review status: criteria provided, single submitter. Criteria: Ambry Variant Classification Scheme 2023. Collection method: clinical testing. Allele origin: germline.
Comment: The p.R165H variant (also known as c.494G>A), located in coding exon 1 of the CEBPA gene, results from a G to A substitution at nucleotide position 494. The arginine at codon 165 is replaced by histidine, an amino acid with highly similar properties. This amino acid position is conserved. In addition, this alteration is predicted to be tolerated by in silico analysis. Based on the available evidence, the clinical significance of this variant remains unclear.

Baylor Genetics
Classification: Uncertain significance for Acute myeloid leukemia. Last evaluated: 2024-02-08. Review status: criteria provided, single submitter. Criteria: ACMG Guidelines, 2015. Collection method: clinical testing. Allele origin: unknown.

Labcorp Genetics (formerly Invitae), Labcorp
Classification: Uncertain significance for Acute myeloid leukemia. Last evaluated: 2023-11-19. Review status: criteria provided, single submitter. Criteria: Invitae Variant Classification Sherloc (09022015). Collection method: clinical testing. Allele origin: germline.
Comment: This sequence change replaces arginine, which is basic and polar, with histidine, which is basic and polar, at codon 165 of the CEBPA protein (p.Arg165His). This variant is not present in population databases (gnomAD no frequency). This variant has not been reported in the literature in individuals affected with CEBPA-related conditions. ClinVar contains an entry for this variant (Variation ID: 1042495). Advanced modeling of protein sequence and biophysical properties (such as structural, functional, and spatial information, amino acid conservation, physicochemical variation, residue mobility, and thermodynamic stability) performed at Invitae indicates that this missense variant is not expected to disrupt CEBPA protein function with a negative predictive value of 80%. In summary, the available evidence is currently insufficient to determine the role of this variant in disease. Therefore, it has been classified as a Variant of Uncertain Significance.

NM_004364.5(CEBPA):c.494G>A (p.Arg165His)

Gene: CEBPA (CCAAT enhancer binding protein alpha; minus strand). Cytogenetic location: 19q13.11.
Variant type: single nucleotide variant.
Coding change: c.494G>A on transcript NM_004364.5 (MANE Select); coding-DNA position 494, G replaced by A.
Protein change: p.Arg165His; replaces arginine 165 with histidine.
Molecular consequence: missense variant.
Genome position (GRCh38, 1-based): chr19:33,301,921, C>T on the plus strand (G>A on the coding strand, the complement: CEBPA is on the minus strand). VCF-style: chr19-33301921-C-T. GRCh37 (hg19) VCF-style: chr19-33792827-C-T.
Other names: c.494G>A (NM_004364.3); c.452G>A, p.Arg151His (NM_001287435.2); c.137G>A, p.Arg46His (NM_001285829.2); c.599G>A, p.Arg200His (NM_001287424.2); short protein forms R151H, R46H, R165H, R200H.
Identifiers: ClinVar variation 1042495 (VCV001042495.11), dbSNP rs1481086547, ClinGen allele CA405274835.
Genomic context (GRCh38, chr19:33,301,921, plus strand): 5'-GGCGGCGGCTGGTAAGGGAAGAGGCCGGCCAGCGCCAGCTGCTTGGCTTCATCCTCCTCG[C>T]GGGGCTCCTGCTTGATCACCAGCGGCCGCAGCGCCGGCGCCCCGACGCGCTCGTACAGGG-3'
Protein context (NP_004355.2, residues 155-175): LRPLVIKQEP[Arg165His]EEDEAKQLAL